The following is an entry in ClinVar:

ClinVar aggregate classification (germline): Likely pathogenic (1 of 4 stars; one submission).

Conditions:
Lysosomal acid lipase deficiency. Also called: Acid cholesteryl ester hydrolase deficiency, type 2. Identifiers: Orphanet 275761, MedGen C5574740, MONDO:0800449, MONDO:0010204.

Allele frequency attached by ClinVar (database versions not stated): gnomAD exomes below 0.00001; ExAC 0.00001; gnomAD 0.00001.
gnomAD v4.1: 2 of 1,610,074 alleles (0.00012%); highest among the groups gnomAD compares: South Asian, 0.0011%; no homozygotes.

Submission:

Alexion, Astrazeneca Rare Disease, Astrazeneca
Classification: Likely pathogenic for Lysosomal acid lipase deficiency. Last evaluated: 2019-06-01. Review status: criteria provided, single submitter. Criteria: ACMG Guidelines, 2015. Collection method: research. Allele origin: germline.
Comment: ACMG PS3 criterion ascertained by in-vitro functional study, PMID:31180157

Literature cited by the submitters: PubMed 31180157.

NM_000235.4(LIPA):c.871C>G (p.Gln291Glu)

Gene: LIPA (lipase A, lysosomal acid type; minus strand). Cytogenetic location: 10q23.31.
Variant type: single nucleotide variant.
Coding change: c.871C>G on transcript NM_000235.4 (MANE Select); coding-DNA position 871, C replaced by G.
Protein change: p.Gln291Glu; replaces glutamine 291 with glutamic acid.
Molecular consequence: missense variant.
Genome position (GRCh38, 1-based): chr10:89,222,534, G>C on the plus strand (C>G on the coding strand, the complement: LIPA is on the minus strand). VCF-style: chr10-89222534-G-C. GRCh37 (hg19) VCF-style: chr10-90982291-G-C.
Other names: c.871C>G, p.Gln291Glu (NM_001127605.3); c.523C>G, p.Gln175Glu (NM_001288979.2); short protein forms Q175E, Q291E.
Identifiers: ClinVar variation 695047 (VCV000695047.2), dbSNP rs754124986, ClinGen allele CA5593586.